The following is an entry in ClinVar:

NM_020964.3(EPG5):c.3698G>C (p.Trp1233Ser)

Gene: EPG5 (ectopic P-granules 5 autophagy tethering factor; minus strand). Cytogenetic location: 18q21.1.
Variant type: single nucleotide variant.
Coding change: c.3698G>C on transcript NM_020964.3 (MANE Select); coding-DNA position 3698, G replaced by C.
Protein change: p.Trp1233Ser; replaces tryptophan 1233 with serine.
Molecular consequence: missense variant.
Genome position (GRCh38, 1-based): chr18:45,913,824, C>G on the plus strand (G>C on the coding strand, the complement: EPG5 is on the minus strand). VCF-style: chr18-45913824-C-G. GRCh37 (hg19) VCF-style: chr18-43493789-C-G.
Other names: c.3698G>C, p.Trp1233Ser (NM_001410858.1, NM_001410859.1); short protein forms W1233S.
Identifiers: ClinVar variation 4279678 (VCV004279678.1).
Genomic context (GRCh38, chr18:45,913,824, plus strand): 5'-CTCCGGAGCTGGGAGTCCTCTTCAAAGATGGATTCCATGTTGAGCACTGTCCAGGCAAAC[C>G]AGACCTATAATGACACCAGATAAAGGGGAGGGGAAGGAGGAGCTCGCCCCACTGACGAAA-3'
Protein context (NP_066015.2, residues 1223-1243): VEGLATPTQV[Trp1233Ser]FAWTVLNMES

ClinVar aggregate classification (germline): Uncertain significance (1 of 4 stars; one submission).

Conditions:
Vici syndrome (VICIS). Identifiers: Orphanet 1493, MedGen C1855772, MONDO:0009452, OMIM 242840.

Submission:

Daryl Scott Lab, Baylor College of Medicine
Classification: Uncertain significance for Vici syndrome. Review status: criteria provided, single submitter. Criteria: ACMG Guidelines, 2015. Collection method: clinical testing. Allele origin: paternal. Affected: yes. Observed: 1 compound heterozygote.
Comment: PM2, PP3